The following is an entry in ClinVar:

ClinVar aggregate classification (germline): Benign (0 of 4 stars; one submission).

Conditions:
EPPK1-related disorder. Also called: EPPK1-related condition.

Allele frequency attached by ClinVar (database versions not stated): 1000 Genomes Project 30x 0.00312; 1000 Genomes Project 0.00359; ESP Exome Variant Server 0.00666; TOPMed 0.00728; gnomAD 0.00932; gnomAD exomes 0.01136; ExAC 0.01298.
gnomAD v4.1: 17,339 of 1,565,312 alleles (1.1%); highest among the groups gnomAD compares: Non-Finnish European, 1.3%; 137 homozygotes.

Submission:

PreventionGenetics, part of Exact Sciences
Classification: Benign for EPPK1-related condition. Last evaluated: 2021-04-20. Review status: no assertion criteria provided. Collection method: clinical testing. Allele origin: germline.
Comment: This variant is classified as benign based on ACMG/AMP sequence variant interpretation guidelines (Richards et al. 2015 PMID: 25741868, with internal and published modifications).

NM_031308.4(EPPK1):c.1234C>T (p.Arg412Trp)

Gene: EPPK1 (epiplakin 1; minus strand). Cytogenetic location: 8q24.3.
Variant type: single nucleotide variant.
Coding change: c.1234C>T on transcript NM_031308.4 (MANE Select); coding-DNA position 1234, C replaced by T.
Protein change: p.Arg412Trp; replaces arginine 412 with tryptophan.
Molecular consequence: missense variant.
Genome position (GRCh38, 1-based): chr8:143,872,020, G>A on the plus strand (C>T on the coding strand, the complement: EPPK1 is on the minus strand). VCF-style: chr8-143872020-G-A. GRCh37 (hg19) VCF-style: chr8-144946188-G-A.
Other names: short protein forms R412W.
Identifiers: ClinVar variation 3052534 (VCV003052534.2), dbSNP rs140364895, ClinGen allele CA4923416.